The following is an entry in ClinVar:

ClinVar aggregate classification (germline): Likely pathogenic (1 of 4 stars; one submission).

Conditions:
Duchenne muscular dystrophy (DMD). Also called: Duchenne Muscular Dystrophy (DMD); MUSCULAR DYSTROPHY, PSEUDOHYPERTROPHIC PROGRESSIVE, DUCHENNE TYPE. Identifiers: Orphanet 98896, MedGen C0013264, MONDO:0010679, OMIM 310200.

Submission:

3billion
Classification: Likely pathogenic for Duchenne muscular dystrophy. Review status: criteria provided, single submitter. Criteria: ACMG Guidelines, 2015. Collection method: clinical testing. Allele origin: unknown. Affected: yes. Observed: 1 hemizygote.
Comment: The variant is not observed in the gnomAD v2.1.1 dataset. It is a frameshift variant predicted to result in a loss or disruption of normal protein function through nonsense-mediated decay (NMD) or protein truncation. Multiple pathogenic variants are reported downstream of the variant. Therefore, this variant is classified as likely pathogenic according to the recommendation of ACMG/AMP guideline.

NM_004006.3(DMD):c.2857del (p.Thr953fs)

Gene: DMD (dystrophin; minus strand). Cytogenetic location: Xp21.1.
Variant type: Deletion.
Coding change: c.2857del on transcript NM_004006.3 (MANE Select); coding-DNA position 2857, one base deleted (A; older notation c.2857delA).
Protein change: p.Thr953fs; shifts the reading frame from threonine 953.
Molecular consequence: frameshift variant.
Genome position (GRCh38, 1-based): chrX:32,472,256, T deleted on the plus strand (A on the coding strand, the reverse complement: DMD is on the minus strand). VCF-style (leftmost placement, unchanged base first): chrX-32472255-GT-G. GRCh37 (hg19) VCF-style: chrX-32490372-GT-G.
Other names: c.2833del, p.Thr945fs (NM_000109.4); c.2845del, p.Thr949fs (NM_004009.3); c.2488del, p.Thr830fs (NM_004010.3); short protein forms T830fs, T945fs, T949fs, T953fs.
Identifiers: ClinVar variation 2572569 (VCV002572569.1), dbSNP rs2524677741, ClinGen allele CA2580616950.
Genomic context (GRCh38, chrX:32,472,255, plus strand): 5'-TCATAGTCGGTGACACTAAGTTGAGGTATGGAGAGTTTGGTTTCTGACTGCTGGACCCAT[GT>G]CCTGATGGCACTCATGGTCTCCTGATAGCGCATTGGTGGCAAAGTGTCAAAAACTTTATC-3'